The following is an entry in ClinVar:

NC_012920.1(MT-ND5):m.12448T>A

Gene: MT-ND5 (mitochondrially encoded NADH dehydrogenase 5; plus strand).
Variant type: single nucleotide variant.
Genome position: chrM-12448-T-A.
Identifiers: ClinVar variation 693444 (VCV000693444.1), dbSNP rs1603223748, ClinGen allele CA414813206.

ClinVar aggregate classification (germline): Uncertain significance (1 of 4 stars; one submission).

Conditions:
Leigh syndrome (NULS). Also called: Leigh's necrotizing encephalopathy; Leigh's disease; Leigh Syndrome (mtDNA deletion); Leigh Disease; Subacute necrotizing encephalopathy; Necrotizing encephalopathy infantile subacute of Leigh. Identifiers: Orphanet 506, MedGen C2931891, MONDO:0009723, OMIM 256000.

Submission:

Wong Mito Lab, Molecular and Human Genetics, Baylor College of Medicine
Classification: Uncertain significance for Leigh syndrome. Last evaluated: 2019-10-17. Review status: criteria provided, single submitter. Criteria: Modified ACMG Guidelines (Unpublished). Collection method: clinical testing. Allele origin: germline.
Comment: The NC_012920.1:m.12448T>A (YP_003024036.1:p.Ser38Thr) variant in MTND5 gene is interpretated to be a Uncertain Significance variant based on the modified ACMG guidelines (unpublished). This variant meets the following evidence codes: BP4